The following is an entry in ClinVar:

ClinVar aggregate classification (germline): Uncertain significance. Review status: criteria provided, multiple submitters, no conflicts (2 of 4 stars). 2 submissions from 2 submitters: Uncertain significance (2). Last evaluated 2019-09-02.

Submissions (2):

Blueprint Genetics
Classification: Uncertain significance. Last evaluated: 2019-09-02. Review status: criteria provided, single submitter. Criteria: ACMG Guidelines, 2015. Collection method: clinical testing. Allele origin: germline.

Laboratory for Molecular Medicine, Mass General Brigham Personalized Medicine
Classification: Uncertain significance. Last evaluated: 2015-07-02. Review status: criteria provided, single submitter. Criteria: LMM Criteria. Collection method: clinical testing. Allele origin: germline. Observed: 1 variant allele.
Comment: Variant classified as Uncertain Significance - Favor Pathogenic. The p.Glu1768Me t (c.5302_5303delinsAT) variant in MYH7 has not been reported in individuals wit h cardiomyopathy. It was absent from large population studies. This variant is a two base pair indel resulting in a single amino acid change. Glutamic acid (Glu ) at position 1768 is highly conserved in mammals and across evolutionarily dist ant species and the change to methionine (Met) was predicted to be pathogenic us ing a computational tool clinically validated by our laboratory. This tool's pat hogenic prediction is estimated to be correct 94% of the time (Jordan 2011). In summary, while there is some suspicion for a pathogenic role of this variant in disease, the clinical significance is uncertain.

NM_000257.4(MYH7):c.5302_5303delinsAT (p.Glu1768Met)

Genes: MYH7 (myosin heavy chain 7; minus strand), LOC126861897 (BRD4-independent group 4 enhancer GRCh37_chr14:23884455-23885654; plus strand). Cytogenetic location: 14q11.2.
Variant type: Indel.
Coding change: c.5302_5303delinsAT on transcript NM_000257.4 (MANE Select); coding-DNA positions 5302 to 5303, GA replaced by AT.
Protein change: p.Glu1768Met; replaces glutamic acid 1768 with methionine.
Molecular consequence: missense variant.
Genome position (GRCh38, 1-based): chr14:23,415,251-23,415,252, TC replaced by AT on the plus strand (GA replaced by AT on the coding strand, the reverse complement: MYH7 is on the minus strand). VCF-style: chr14-23415251-TC-AT. GRCh37 (hg19) VCF-style: chr14-23884460-TC-AT.
Other names: short protein forms E1768M.
Identifiers: ClinVar variation 228916 (VCV000228916.5), dbSNP rs876657886, ClinGen allele CA10576951.
Genomic context (GRCh38, chr14:23,415,251, plus strand): 5'-TGTTCCATGTTCTTCTTCATGCGCTCCAGGTGGGCGCTGGTGTCCTGCTCCTTCTTCAGC[TC>AT]CTCTGCCATCATGGCGGCCTGTGTGCAGGAGAGAGGTGGCACATGGTCTGGTCAAGTCCT-3'
Protein context (NP_000248.2, residues 1758-1778): AITDAAMMAE[Glu1768Met]LKKEQDTSAH